The following is an entry in ClinVar:

NM_006031.6(PCNT):c.3443T>C (p.Val1148Ala)

Gene: PCNT (pericentrin; plus strand). Cytogenetic location: 21q22.3.
Variant type: single nucleotide variant.
Coding change: c.3443T>C on transcript NM_006031.6 (MANE Select); coding-DNA position 3443, T replaced by C.
Protein change: p.Val1148Ala; replaces valine 1148 with alanine.
Molecular consequence: missense variant.
Genome position (GRCh38, 1-based): chr21:46,385,962, T>C. VCF-style: chr21-46385962-T-C. GRCh37 (hg19) VCF-style: chr21-47805877-T-C.
Other names: c.3089T>C, p.Val1030Ala (NM_001315529.2); short protein forms V1148A, V1030A.
Identifiers: ClinVar variation 436262 (VCV000436262.12), dbSNP rs762148129, ClinGen allele CA10079299.

ClinVar aggregate classification (germline): Uncertain significance. Review status: criteria provided, multiple submitters, no conflicts (2 of 4 stars). 4 submissions from 4 submitters: Uncertain significance (4). Last evaluated 2026-07-21.

Conditions:
PCNT-related disorder. Also called: PCNT-related condition.
Microcephalic osteodysplastic primordial dwarfism type II (MOPD2). Also called: OSTEODYSPLASTIC PRIMORDIAL DWARFISM, TYPE II; Microcephalic osteodysplastic primordial dwarfism with tooth abnormalities; MOPD II. Identifiers: Orphanet 2637, MedGen C0432246, MONDO:0008872, OMIM 210720.

Allele frequency attached by ClinVar (database versions not stated): ExAC 0.00001; gnomAD 0.00001; gnomAD exomes 0.00001 and 0.00003; TOPMed 0.00002.
gnomAD v4.1: 10 of 1,614,032 alleles (0.00062%); highest among the groups gnomAD compares: Admixed American, 0.017%; no homozygotes.

Submissions (4):

PreventionGenetics, part of Exact Sciences
Classification: Uncertain significance for PCNT-related condition. Last evaluated: 2026-07-21. Review status: criteria provided, single submitter. Criteria: ACMG Guidelines, 2015. Collection method: clinical testing. Allele origin: germline.
Comment: The PCNT c.3443T>C variant is predicted to result in the amino acid substitution p.Val1148Ala. To our knowledge, this variant has not been reported in the literature. This variant is reported in 0.023% of alleles in individuals of Latino descent in gnomAD. At this time, the clinical significance of this variant is uncertain due to the absence of conclusive functional and genetic evidence.

GeneDx
Classification: Uncertain significance. Last evaluated: 2019-05-08. Review status: criteria provided, single submitter. Criteria: GeneDx Variant Classification Process June 2021. Collection method: clinical testing. Allele origin: germline. Affected: yes.
Comment: In silico analysis, which includes protein predictors and evolutionary conservation, supports that this variant does not alter protein structure/function; Has not been previously published as pathogenic or benign to our knowledge

Fulgent Genetics
Classification: Uncertain significance for Microcephalic osteodysplastic primordial dwarfism type II. Last evaluated: 2018-10-31. Review status: criteria provided, single submitter. Criteria: ACMG Guidelines, 2015. Collection method: clinical testing. Allele origin: unknown.

Genetic Services Laboratory, University of Chicago
Classification: Uncertain significance. Last evaluated: 2016-08-16. Review status: criteria provided, single submitter. Criteria: ACMG Guidelines, 2015. Collection method: clinical testing. Allele origin: germline. Affected: no.